The following is an entry in ClinVar:

NM_001040108.2(MLH3):c.2418C>G (p.Ile806Met)

Gene: MLH3 (mutL homolog 3; minus strand). Cytogenetic location: 14q24.3.
Variant type: single nucleotide variant.
Coding change: c.2418C>G on transcript NM_001040108.2 (MANE Select); coding-DNA position 2418, C replaced by G.
Protein change: p.Ile806Met; replaces isoleucine 806 with methionine.
Molecular consequence: missense variant.
Genome position (GRCh38, 1-based): chr14:75,047,238, G>C on the plus strand (C>G on the coding strand, the complement: MLH3 is on the minus strand). VCF-style: chr14-75047238-G-C. GRCh37 (hg19) VCF-style: chr14-75513941-G-C.
Other names: c.2418C>G, p.Ile806Met (NM_014381.3); short protein forms I806M.
Identifiers: ClinVar variation 1790964 (VCV001790964.2), dbSNP rs2503270744, ClinGen allele CA390440635.

ClinVar aggregate classification (germline): Uncertain significance (1 of 4 stars; one submission).

Submission:

Ambry Genetics
Classification: Uncertain significance. Last evaluated: 2021-10-05. Review status: criteria provided, single submitter. Criteria: Ambry Variant Classification Scheme 2023. Collection method: clinical testing. Allele origin: germline.
Comment: The p.I806M variant (also known as c.2418C>G), located in coding exon 1 of the MLH3 gene, results from a C to G substitution at nucleotide position 2418. The isoleucine at codon 806 is replaced by methionine, an amino acid with highly similar properties. This amino acid position is conserved. In addition, this alteration is predicted to be tolerated by in silico analysis. Since supporting evidence is limited at this time, the clinical significance of this alteration remains unclear.